The following is an entry in ClinVar:

ClinVar aggregate classification (germline): Uncertain significance (1 of 4 stars; one submission).

Conditions:
Familial thoracic aortic aneurysm and aortic dissection (TAAD). Also called: Thoracic aortic aneurysms and dissections. Identifiers: Orphanet 91387, MedGen C4707243, MONDO:0019625.

Allele frequency attached by ClinVar (database versions not stated): gnomAD exomes below 0.00001.
gnomAD v4.1: 1 of 1,613,342 alleles (0.000062%); highest among the groups gnomAD compares: Non-Finnish European, 0.000085%; no homozygotes.

Submission:

Color Diagnostics, LLC DBA Color Health
Classification: Uncertain significance for Familial thoracic aortic aneurysm and aortic dissection. Last evaluated: 2023-12-05. Review status: criteria provided, single submitter. Criteria: ACMG Guidelines, 2015. Collection method: clinical testing. Allele origin: germline.
Comment: Variant of Uncertain Significance due to insufficient evidence: This missense variant replaces isoleucine with leucine at codon 141 of the FBN1 protein. Computational prediction tools and conservation analyses suggest that this variant may not impact the protein function. Computational splicing tools suggest that this variant may not impact RNA splicing. To our knowledge, functional assays have not been performed for this variant nor has this variant been reported in individuals affected with cardiovascular disorders in the literature. This variant is rare in the general population and has been identified in 0/277264 chromosomes by the Genome Aggregation Database (gnomAD). Available evidence is insufficient to determine the role of this variant in disease conclusively.

NM_000138.5(FBN1):c.421A>T (p.Ile141Leu)

Gene: FBN1 (fibrillin 1; minus strand). Cytogenetic location: 15q21.1.
Variant type: single nucleotide variant.
Coding change: c.421A>T on transcript NM_000138.5 (MANE Select); coding-DNA position 421, A replaced by T.
Protein change: p.Ile141Leu; replaces isoleucine 141 with leucine.
Molecular consequence: missense variant.
Genome position (GRCh38, 1-based): chr15:48,600,160, T>A on the plus strand (A>T on the coding strand, the complement: FBN1 is on the minus strand). VCF-style: chr15-48600160-T-A. GRCh37 (hg19) VCF-style: chr15-48892357-T-A.
Other names: short protein forms I141L.
Identifiers: ClinVar variation 924638 (VCV000924638.5), dbSNP rs2044550436, ClinGen allele CA392446474.
Genomic context (GRCh38, chr15:48,600,160, plus strand): 5'-GGTTAACATCTAGAATACTTATAACTACAGTGTACTTACGTTGTCCACAGTGAGTCCCTA[T>A]GTATCCTTTCTGGCATAGACAGTGATCGTCACTGCAGCTACCTCCATTCATACAGCGAAT-3'
Protein context (NP_000129.3, residues 131-151): DDHCLCQKGY[Ile141Leu]GTHCGQPVCE